The following is an entry in ClinVar:

NM_000069.3(CACNA1S):c.2900A>G (p.Glu967Gly)

Gene: CACNA1S (calcium voltage-gated channel subunit alpha1 S; minus strand). Cytogenetic location: 1q32.1.
Variant type: single nucleotide variant.
Coding change: c.2900A>G on transcript NM_000069.3 (MANE Select); coding-DNA position 2900, A replaced by G.
Protein change: p.Glu967Gly; replaces glutamic acid 967 with glycine.
Molecular consequence: missense variant.
Genome position (GRCh38, 1-based): chr1:201,062,468, T>C on the plus strand (A>G on the coding strand, the complement: CACNA1S is on the minus strand). VCF-style: chr1-201062468-T-C. GRCh37 (hg19) VCF-style: chr1-201031596-T-C.
Other names: short protein forms E967G.
Identifiers: ClinVar variation 4536211 (VCV004536211.1).

ClinVar aggregate classification (germline): Uncertain significance (1 of 4 stars; one submission).

Submission:

GeneDx
Classification: Uncertain significance. Last evaluated: 2025-06-06. Review status: criteria provided, single submitter. Criteria: GeneDx Variant Classification Process June 2021. Collection method: clinical testing. Allele origin: germline. Affected: yes.
Comment: Not observed at significant frequency in large population cohorts (gnomAD); In silico analysis supports that this missense variant has a deleterious effect on protein structure/function; Has not been previously published as pathogenic or benign to our knowledge